The following is an entry in ClinVar:

NM_014712.3(SETD1A):c.4359G>C (p.Gln1453His)

Gene: SETD1A (SET domain containing 1A, histone lysine methyltransferase; plus strand). Cytogenetic location: 16p11.2.
Variant type: single nucleotide variant.
Coding change: c.4359G>C on transcript NM_014712.3 (MANE Select); coding-DNA position 4359, G replaced by C.
Protein change: p.Gln1453His; replaces glutamine 1453 with histidine.
Molecular consequence: missense variant.
Genome position (GRCh38, 1-based): chr16:30,980,145, G>C. VCF-style: chr16-30980145-G-C. GRCh37 (hg19) VCF-style: chr16-30991466-G-C.
Other names: short protein forms Q1453H.
Identifiers: ClinVar variation 2574531 (VCV002574531.1), dbSNP rs2543906778, ClinGen allele CA395631650.
Genomic context (GRCh38, chr16:30,980,145, plus strand): 5'-GGGCCTGGACTCAGAGGACATGAGTTACCTGCGGCTTACGTACGAGCGGCTGCTGCAGCA[G>C]ACAAGCGGGGCTGACTGGCTCAACGACACTCACTGGGTCCATCACACAAATATCCTGAGT-3'
Protein context (NP_055527.1, residues 1443-1463): LRLTYERLLQ[Gln1453His]TSGADWLNDT

ClinVar aggregate classification (germline): Uncertain significance (1 of 4 stars; one submission).

Submission:

GeneDx
Classification: Uncertain significance. Last evaluated: 2023-01-30. Review status: criteria provided, single submitter. Criteria: GeneDx Variant Classification Process June 2021. Collection method: clinical testing. Allele origin: germline. Affected: yes.
Comment: Not observed at significant frequency in large population cohorts (gnomAD); In silico analysis supports that this missense variant has a deleterious effect on protein structure/function; Has not been previously published as pathogenic or benign to our knowledge